The following is an entry in ClinVar:

ClinVar aggregate classification (germline): Benign/Likely benign. Review status: criteria provided, multiple submitters, no conflicts (2 of 4 stars). 7 submissions from 7 submitters: Benign (4); Likely benign (2). 1 of the submissions does not count toward it. Last evaluated 2026-09-01.

Conditions:
AGRN-related disorder. Also called: AGRN-related condition.
Congenital myasthenic syndrome 8. Also called: MYASTHENIC SYNDROME, CONGENITAL, DUE TO AGRIN DEFICIENCY; Myasthenic syndrome, congenital, 8, with pre- and postsynaptic defects. Identifiers: Orphanet 590, MedGen C3808739, MONDO:0014052, OMIM 615120.

Allele frequency attached by ClinVar (database versions not stated): ESP Exome Variant Server 0.00247; 1000 Genomes Project 30x 0.00265; TOPMed 0.00272; 1000 Genomes Project 0.00280; gnomAD exomes 0.00534 and 0.00793; gnomAD 0.00782 and 0.00805; ExAC 0.01076.

Submissions (28):

CeGaT Center for Human Genetics Tuebingen
Classification: Likely benign. Last evaluated: 2026-09-01. Review status: criteria provided, single submitter. Criteria: CeGaT Center For Human Genetics Tuebingen Variant Classification Criteria Version 2. Collection method: clinical testing. Allele origin: germline. Affected: yes. Observed: 9 variant alleles.
Comment: AGRN: BP4, BP7, BS2

Labcorp Genetics (formerly Invitae), Labcorp
Classification: Benign for Congenital myasthenic syndrome 8. Last evaluated: 2026-02-01. Review status: criteria provided, single submitter. Criteria: Invitae Variant Classification Sherloc (09022015). Collection method: clinical testing. Allele origin: germline.

Blueprint Genetics
Classification: Likely benign. Last evaluated: 2024-11-22. Review status: criteria provided, single submitter. Criteria: ACMG Guidelines, 2015. Collection method: clinical testing. Allele origin: germline.

Mayo Clinic Laboratories, Mayo Clinic
Classification: Benign. Last evaluated: 2022-10-10. Review status: criteria provided, single submitter. Criteria: ACMG Guidelines, 2015. Collection method: clinical testing. Allele origin: germline. Observed: 5 variant alleles.

GeneDx
Classification: Benign. Last evaluated: 2019-09-02. Review status: criteria provided, single submitter. Criteria: GeneDx Variant Classification Process June 2021. Collection method: clinical testing. Allele origin: germline. Affected: yes.

Breakthrough Genomics
Classification: Benign. Review status: criteria provided, single submitter. Criteria: ACMG Guidelines, 2015. Collection method: not provided. Allele origin: germline. Inheritance: Autosomal recessive inheritance. Affected: yes.

PreventionGenetics, part of Exact Sciences
Classification: Benign for AGRN-related condition. Last evaluated: 2024-05-02. Review status: no assertion criteria provided. Collection method: clinical testing. Allele origin: germline. Not counted in ClinVar's aggregate classification.
Comment: This variant is classified as benign based on ACMG/AMP sequence variant interpretation guidelines (Richards et al. 2015 PMID: 25741868, with internal and published modifications).

Dr. Peter K. Rogan Lab, Western University
No classification provided (evidence only). Condition: Sarcoma. Review status: no classification provided. Collection method: in vitro. Allele origin: not applicable. Functional consequence: retained intron. Not counted in ClinVar's aggregate classification.

Dr. Peter K. Rogan Lab, Western University
No classification provided (evidence only). Condition: Sarcoma. Review status: no classification provided. Collection method: in vitro. Allele origin: not applicable. Functional consequence: retained intron. Not counted in ClinVar's aggregate classification.

Dr. Peter K. Rogan Lab, Western University
No classification provided (evidence only). Condition: Thymoma. Review status: no classification provided. Collection method: in vitro. Allele origin: not applicable. Functional consequence: retained intron. Not counted in ClinVar's aggregate classification.

Dr. Peter K. Rogan Lab, Western University
No classification provided (evidence only). Condition: Ovarian serous cystadenocarcinoma. Review status: no classification provided. Collection method: in vitro. Allele origin: not applicable. Functional consequence: retained intron. Not counted in ClinVar's aggregate classification.

Dr. Peter K. Rogan Lab, Western University
No classification provided (evidence only). Condition: Ovarian serous cystadenocarcinoma. Review status: no classification provided. Collection method: in vitro. Allele origin: not applicable. Functional consequence: retained intron. Not counted in ClinVar's aggregate classification.

Dr. Peter K. Rogan Lab, Western University
No classification provided (evidence only). Condition: Ovarian serous cystadenocarcinoma. Review status: no classification provided. Collection method: in vitro. Allele origin: not applicable. Functional consequence: retained intron. Not counted in ClinVar's aggregate classification.

Dr. Peter K. Rogan Lab, Western University
No classification provided (evidence only). Condition: Gastric cancer. Review status: no classification provided. Collection method: in vitro. Allele origin: not applicable. Functional consequence: retained intron. Not counted in ClinVar's aggregate classification.

Dr. Peter K. Rogan Lab, Western University
No classification provided (evidence only). Condition: Gastric cancer. Review status: no classification provided. Collection method: in vitro. Allele origin: not applicable. Functional consequence: retained intron. Not counted in ClinVar's aggregate classification.

Dr. Peter K. Rogan Lab, Western University
No classification provided (evidence only). Condition: Gastric cancer. Review status: no classification provided. Collection method: in vitro. Allele origin: not applicable. Functional consequence: retained intron. Not counted in ClinVar's aggregate classification.

Dr. Peter K. Rogan Lab, Western University
No classification provided (evidence only). Condition: Malignant tumor of esophagus. Review status: no classification provided. Collection method: in vitro. Allele origin: not applicable. Functional consequence: retained intron. Not counted in ClinVar's aggregate classification.

Dr. Peter K. Rogan Lab, Western University
No classification provided (evidence only). Condition: Malignant tumor of urinary bladder. Review status: no classification provided. Collection method: in vitro. Allele origin: not applicable. Functional consequence: retained intron. Not counted in ClinVar's aggregate classification.

Dr. Peter K. Rogan Lab, Western University
No classification provided (evidence only). Condition: Lung cancer. Review status: no classification provided. Collection method: in vitro. Allele origin: not applicable. Functional consequence: retained intron. Not counted in ClinVar's aggregate classification.

Dr. Peter K. Rogan Lab, Western University
No classification provided (evidence only). Condition: Lung cancer. Review status: no classification provided. Collection method: in vitro. Allele origin: not applicable. Functional consequence: retained intron. Not counted in ClinVar's aggregate classification.

Dr. Peter K. Rogan Lab, Western University
No classification provided (evidence only). Condition: Lung cancer. Review status: no classification provided. Collection method: in vitro. Allele origin: not applicable. Functional consequence: retained intron. Not counted in ClinVar's aggregate classification.

Dr. Peter K. Rogan Lab, Western University
No classification provided (evidence only). Condition: Familial cancer of breast. Review status: no classification provided. Collection method: in vitro. Allele origin: not applicable. Functional consequence: retained intron. Not counted in ClinVar's aggregate classification.

Dr. Peter K. Rogan Lab, Western University
No classification provided (evidence only). Condition: Familial cancer of breast. Review status: no classification provided. Collection method: in vitro. Allele origin: not applicable. Functional consequence: retained intron. Not counted in ClinVar's aggregate classification.

Dr. Peter K. Rogan Lab, Western University
No classification provided (evidence only). Condition: Colon adenocarcinoma. Review status: no classification provided. Collection method: in vitro. Allele origin: not applicable. Functional consequence: retained intron. Not counted in ClinVar's aggregate classification.

Dr. Peter K. Rogan Lab, Western University
No classification provided (evidence only). Condition: Colorectal cancer. Review status: no classification provided. Collection method: in vitro. Allele origin: not applicable. Functional consequence: retained intron. Not counted in ClinVar's aggregate classification.

Dr. Peter K. Rogan Lab, Western University
No classification provided (evidence only). Condition: Uterine corpus endometrial carcinoma. Review status: no classification provided. Collection method: in vitro. Allele origin: not applicable. Functional consequence: retained intron. Not counted in ClinVar's aggregate classification.

Dr. Peter K. Rogan Lab, Western University
No classification provided (evidence only). Condition: Uterine corpus endometrial carcinoma. Review status: no classification provided. Collection method: in vitro. Allele origin: not applicable. Functional consequence: retained intron. Not counted in ClinVar's aggregate classification.

Dr. Peter K. Rogan Lab, Western University
No classification provided (evidence only). Condition: Cervical cancer. Review status: no classification provided. Collection method: in vitro. Allele origin: not applicable. Functional consequence: retained intron. Not counted in ClinVar's aggregate classification.

NM_198576.4(AGRN):c.5223C>T (p.Gly1741=)

Gene: AGRN (agrin; plus strand). Cytogenetic location: 1p36.33.
Variant type: single nucleotide variant.
Coding change: c.5223C>T on transcript NM_198576.4 (MANE Select); coding-DNA position 5223, C replaced by T.
Protein change: p.Gly1741=; no amino-acid change (glycine 1741 retained).
Molecular consequence: synonymous variant.
Genome position (GRCh38, 1-based): chr1:1,050,807, C>T. VCF-style: chr1-1050807-C-T. GRCh37 (hg19) VCF-style: chr1-986187-C-T.
Other names: p.Gly1741=; c.5223C>T, p.Gly1741= (NM_001305275.2); c.4908C>T, p.Gly1636= (NM_001364727.2).
Identifiers: ClinVar variation 474144 (VCV000474144.46), dbSNP rs147681220, ClinGen allele CA509913.